The following is an entry in ClinVar:

NR_163594.1(SSPO):n.3223G>C

Variant type: single nucleotide variant.
Molecular consequence: non-coding transcript variant (on NR_163594.1).
Genome position: GRCh38 VCF-style: chr7-149785708-G-C. GRCh37 (hg19) VCF-style: chr7-149482796-G-C.
Identifiers: ClinVar variation 2658149 (VCV002658149.23), dbSNP rs143514105, ClinGen allele CA4555974.
Genomic context (GRCh38, chr7:149,785,708, plus strand): 5'-CTGCCCAGAACCTGCCCTGTGGGGCCAGCGGTCTCACCTGCACCAAAGCGCTGGCCGTGC[G>C]TCTGGAGGGCACTGTTGTGCACATGCTCAGAGGTGGCTGCAACATTGAAGGGTGACATTG-3'

ClinVar aggregate classification (germline): Likely benign (1 of 4 stars; one submission).

Submission:

CeGaT Center for Human Genetics Tuebingen
Classification: Likely benign. Last evaluated: 2023-04-01. Review status: criteria provided, single submitter. Criteria: CeGaT Center For Human Genetics Tuebingen Variant Classification Criteria Version 2. Collection method: clinical testing. Allele origin: germline. Affected: yes. Observed: 1 variant allele.
Comment: SSPOP: BS2